The following is an entry in ClinVar:

NM_001371986.1(UNC80):c.9510G>T (p.Ala3170=)

Gene: UNC80 (unc-80 subunit of NALCN channel complex; plus strand). Cytogenetic location: 2q34.
Variant type: single nucleotide variant.
Coding change: c.9510G>T on transcript NM_001371986.1 (MANE Select); coding-DNA position 9510, G replaced by T.
Protein change: p.Ala3170=; no amino-acid change (alanine 3170 retained).
Molecular consequence: synonymous variant.
Genome position (GRCh38, 1-based): chr2:209,994,066, G>T. VCF-style: chr2-209994066-G-T. GRCh37 (hg19) VCF-style: chr2-210858790-G-T.
Other names: c.9312G>T, p.Ala3104= (NM_032504.2); c.9240G>T, p.Ala3080= (NM_182587.4); c.9312G>T (NM_032504.1).
Identifiers: ClinVar variation 2912073 (VCV002912073.5), dbSNP rs756716727, ClinGen allele CA430997458.
Genomic context (GRCh38, chr2:209,994,066, plus strand): 5'-CATTGACGGTCCGTTTCCACCAACTCCTCCCCAATTTACTGTTTCACCTCTACCTGCAGC[G>T]GATCAGAAACGATCTGTGACCTTCATTGAGGCTCAGCCAGAGCCAGCAGCTGCCCCAACA-3'
Protein context (NP_001358915.1, residues 3160-3180): RSIQPKTKPS[Ala3170=]DQKRSVTFIE

ClinVar aggregate classification (germline): Likely benign. Review status: criteria provided, multiple submitters, no conflicts (2 of 4 stars). 3 submissions from 3 submitters: Likely benign (2). 1 of the submissions does not count toward it. Last evaluated 2025-05-05.

Conditions:
UNC80-related disorder. Also called: UNC80-related condition.

gnomAD v4.1: 9 of 1,548,684 alleles (0.00058%); highest among the groups gnomAD compares: African/African-American, 0.0055%; no homozygotes.

Submissions (3):

Labcorp Genetics (formerly Invitae), Labcorp
Classification: Likely benign. Last evaluated: 2025-05-05. Review status: criteria provided, single submitter. Criteria: Invitae Variant Classification Sherloc (09022015). Collection method: clinical testing. Allele origin: germline.

Blueprint Genetics
Classification: Likely benign. Last evaluated: 2021-12-06. Review status: criteria provided, single submitter. Criteria: ACMG Guidelines, 2015. Collection method: clinical testing. Allele origin: germline.

PreventionGenetics, part of Exact Sciences
Classification: Likely benign for UNC80-related condition. Last evaluated: 2024-06-12. Review status: no assertion criteria provided. Collection method: clinical testing. Allele origin: germline. Not counted in ClinVar's aggregate classification.
Comment: This variant is classified as likely benign based on ACMG/AMP sequence variant interpretation guidelines (Richards et al. 2015 PMID: 25741868, with internal and published modifications).